The following is an entry in ClinVar:

NC_000017.10:g.(?_26861752)_(26869835_?)del

Gene: FOXN1 (forkhead box N1; plus strand). Cytogenetic location: 17q11.2.
Variant type: Deletion.
Identifiers: ClinVar variation 2424707 (VCV002424707.5).

ClinVar aggregate classification (germline): Pathogenic (1 of 4 stars; one submission).

Conditions:
T-cell immunodeficiency, congenital alopecia, and nail dystrophy. Also called: Congenital alopecia and nail dystrophy associated with severe functional T-cell immunodeficiency; Pignata Guarino syndrome. Identifiers: Orphanet 169095, MedGen C1866426, MONDO:0011132, OMIM 601705.

Submission:

Labcorp Genetics (formerly Invitae), Labcorp
Classification: Pathogenic for T-cell immunodeficiency, congenital alopecia, and nail dystrophy. Last evaluated: 2021-10-31. Review status: criteria provided, single submitter. Criteria: Invitae Variant Classification Sherloc (09022015). Collection method: clinical testing. Allele origin: germline.
Comment: For these reasons, this variant has been classified as Pathogenic. This variant disrupts a region of the FOXN1 protein in which other variant(s) (p.Thr487Profs*41) have been determined to be pathogenic (Invitae). This suggests that this is a clinically significant region of the protein, and that variants that disrupt it are likely to be disease-causing. This variant has not been reported in the literature in individuals affected with FOXN1-related conditions. This variant results in the deletion of exon 8 and part of exon 7 (c.1166_*5384del) of the FOXN1 gene. While this deletion is not anticipated to lead to nonsense mediated decay, it is expected to alter mRNA translation or result in a truncated protein product.